The following is an entry in ClinVar:

ClinVar aggregate classification (germline): Uncertain significance (1 of 4 stars; one submission).

Allele frequency attached by ClinVar (database versions not stated): ExAC 0.00001; gnomAD exomes 0.00001; gnomAD 0.00005; TOPMed 0.00006; 1000 Genomes Project 30x 0.00016.
gnomAD v4.1: 18 of 1,610,382 alleles (0.0011%); highest among the groups gnomAD compares: African/African-American, 0.013%; no homozygotes.

Submission:

Labcorp Genetics (formerly Invitae), Labcorp
Classification: Uncertain significance. Last evaluated: 2025-03-05. Review status: criteria provided, single submitter. Criteria: Invitae Variant Classification Sherloc (09022015). Collection method: clinical testing. Allele origin: germline.
Comment: This sequence change replaces lysine, which is basic and polar, with arginine, which is basic and polar, at codon 545 of the CYFIP2 protein (p.Lys545Arg). This variant is present in population databases (rs770984179, gnomAD 0.007%). This variant has not been reported in the literature in individuals affected with CYFIP2-related conditions. ClinVar contains an entry for this variant (Variation ID: 1441064). Experimental studies and prediction algorithms are not available or were not evaluated, and the functional significance of this variant is currently unknown. Algorithms developed to predict the effect of sequence changes on RNA splicing suggest that this variant may disrupt the consensus splice site. In summary, the available evidence is currently insufficient to determine the role of this variant in disease. Therefore, it has been classified as a Variant of Uncertain Significance.

NM_001037333.3(CYFIP2):c.1634A>G (p.Lys545Arg)

Gene: CYFIP2 (cytoplasmic FMR1 interacting protein 2; plus strand). Cytogenetic location: 5q33.3.
Variant type: single nucleotide variant.
Coding change: c.1634A>G on transcript NM_001037333.3 (MANE Select); coding-DNA position 1634, A replaced by G.
Protein change: p.Lys545Arg; replaces lysine 545 with arginine.
Molecular consequence: missense variant.
Genome position (GRCh38, 1-based): chr5:157,320,765, A>G. VCF-style: chr5-157320765-A-G. GRCh37 (hg19) VCF-style: chr5-156747773-A-G.
Other names: c.1556A>G, p.Lys519Arg (NM_001291721.2); c.1634A>G, p.Lys545Arg (NM_001291722.2, NM_014376.4); short protein forms K545R, K519R.
Identifiers: ClinVar variation 1441064 (VCV001441064.6), dbSNP rs770984179, ClinGen allele CA3533650.